The following is an entry in ClinVar:

ClinVar aggregate classification (germline): Uncertain significance (1 of 4 stars; one submission).

Submission:

GeneDx
Classification: Uncertain significance. Last evaluated: 2024-07-29. Review status: criteria provided, single submitter. Criteria: GeneDx Variant Classification Process June 2021. Collection method: clinical testing. Allele origin: germline. Affected: yes.
Comment: Not observed at significant frequency in large population cohorts (gnomAD); In silico analysis supports that this missense variant has a deleterious effect on protein structure/function; Has not been previously published as pathogenic or benign to our knowledge

NM_000701.8(ATP1A1):c.1987T>G (p.Cys663Gly)

Genes: ATP1A1 (ATPase Na+/K+ transporting subunit alpha 1; plus strand), ATP1A1-AS1 (ATP1A1 antisense RNA 1; minus strand). Cytogenetic location: 1p13.1.
Variant type: single nucleotide variant.
Coding change: c.1987T>G on transcript NM_000701.8 (MANE Select); coding-DNA position 1987, T replaced by G.
Protein change: p.Cys663Gly; replaces cysteine 663 with glycine.
Molecular consequence: missense variant.
Genome position (GRCh38, 1-based): chr1:116,397,901, T>G. VCF-style: chr1-116397901-T-G. GRCh37 (hg19) VCF-style: chr1-116940523-T-G.
Other names: c.1987T>G, p.Cys663Gly (NM_001160233.2); c.1894T>G, p.Cys632Gly (NM_001160234.2); short protein forms C632G, C663G.
Identifiers: ClinVar variation 3602369 (VCV003602369.1).
Genomic context (GRCh38, chr1:116,397,901, plus strand): 5'-TGGTGATGTGATGCGTGACTTTTTTTTTTTTTTTGTCCTAATTCTAGGGATGCCAAGGCC[T>G]GCGTAGTACACGGCAGTGATCTAAAGGACATGACCTCCGAGCAGCTGGATGACATTTTGA-3'
Protein context (NP_000692.2, residues 653-673): SQVNPRDAKA[Cys663Gly]VVHGSDLKDM